The following is an entry in ClinVar:

ClinVar aggregate classification (germline): Uncertain significance. Review status: criteria provided, multiple submitters, no conflicts (2 of 4 stars). 2 submissions from 2 submitters: Uncertain significance (2). Last evaluated 2022-07-19.

Conditions:
Retinitis pigmentosa 71 (RP71). Identifiers: Orphanet 791, MedGen C4225342, MONDO:0014618, OMIM 616394.
Short-rib thoracic dysplasia 10 with or without polydactyly (SRTD10). Identifiers: Orphanet 474, MedGen C3810175, MONDO:0014284, OMIM 615630.

gnomAD v4.1: 4 of 1,610,602 alleles (0.00025%); highest among the groups gnomAD compares: African/African-American, 0.0027%; no homozygotes.

Submissions (2):

GeneDx
Classification: Uncertain significance. Last evaluated: 2022-07-19. Review status: criteria provided, single submitter. Criteria: GeneDx Variant Classification Process June 2021. Collection method: clinical testing. Allele origin: germline. Affected: yes.
Comment: Not observed at significant frequency in large population cohorts (gnomAD); In silico analysis supports that this missense variant has a deleterious effect on protein structure/function; Previously reported in an individual with suspected retinitis pigmentosa; however additional clinical and family history details were not reported (Gao et al., 2019); This variant is associated with the following publications: (PMID: 31054281)

Labcorp Genetics (formerly Invitae), Labcorp
Classification: Uncertain significance for Retinitis pigmentosa 71; Short-rib thoracic dysplasia 10 with or without polydactyly. Last evaluated: 2022-06-27. Review status: criteria provided, single submitter. Criteria: Invitae Variant Classification Sherloc (09022015). Collection method: clinical testing. Allele origin: germline.
Comment: In summary, the available evidence is currently insufficient to determine the role of this variant in disease. Therefore, it has been classified as a Variant of Uncertain Significance. Algorithms developed to predict the effect of missense changes on protein structure and function are either unavailable or do not agree on the potential impact of this missense change (SIFT: "Deleterious"; PolyPhen-2: "Benign"; Align-GVGD: "Class C0"). This missense change has been observed in individual(s) with retinitis pigmentosa (PMID: 31054281). This variant is not present in population databases (gnomAD no frequency). This sequence change replaces tyrosine, which is neutral and polar, with cysteine, which is neutral and slightly polar, at codon 1449 of the IFT172 protein (p.Tyr1449Cys).

Literature cited by the submitters: PubMed 31054281 (cited by Labcorp Genetics (formerly Invitae), Labcorp).

NM_015662.3(IFT172):c.4346A>G (p.Tyr1449Cys)

Gene: IFT172 (intraflagellar transport 172; minus strand). Cytogenetic location: 2p23.3.
Variant type: single nucleotide variant.
Coding change: c.4346A>G on transcript NM_015662.3 (MANE Select); coding-DNA position 4346, A replaced by G.
Protein change: p.Tyr1449Cys; replaces tyrosine 1449 with cysteine.
Molecular consequence: missense variant.
Genome position (GRCh38, 1-based): chr2:27,448,997, T>C on the plus strand (A>G on the coding strand, the complement: IFT172 is on the minus strand). VCF-style: chr2-27448997-T-C. GRCh37 (hg19) VCF-style: chr2-27671864-T-C.
Other names: c.4280A>G, p.Tyr1427Cys (NM_001410739.1); c.4346A>G (NM_015662.2); short protein forms Y1449C, Y1427C.
Identifiers: ClinVar variation 2136068 (VCV002136068.4), dbSNP rs1665417083, ClinGen allele CA346420304.